The following is an entry in ClinVar:

ClinVar aggregate classification (germline): Uncertain significance (1 of 4 stars; one submission).

Conditions:
TBC1D1-related disorder. Also called: TBC1D1-related condition.

gnomAD v4.1: 9 of 1,613,104 alleles (0.00056%); highest among the groups gnomAD compares: Non-Finnish European, 0.00076%; no homozygotes.

Submission:

PreventionGenetics, part of Exact Sciences
Classification: Uncertain significance for TBC1D1-related condition. Last evaluated: 2022-11-08. Review status: criteria provided, single submitter. Criteria: ACMG Guidelines, 2015. Collection method: clinical testing. Allele origin: germline.
Comment: The TBC1D1 c.1010G>T variant is predicted to result in the amino acid substitution p.Arg337Leu. To our knowledge, this variant has not been reported in the literature or in a large population database, indicating this variant is rare. At this time, the clinical significance of this variant is uncertain due to the absence of conclusive functional and genetic evidence.

NM_001396959.1(TBC1D1):c.1010G>T (p.Arg337Leu)

Genes: TBC1D1 (TBC1 domain family member 1; plus strand), LOC126807034 (BRD4-independent group 4 enhancer GRCh37_chr4:38021983-38023182; plus strand). Cytogenetic location: 4p14.
Variant type: single nucleotide variant.
Coding change: c.1010G>T on transcript NM_001396959.1 (MANE Select); coding-DNA position 1010, G replaced by T.
Protein change: p.Arg337Leu; replaces arginine 337 with leucine.
Molecular consequence: missense variant.
Genome position (GRCh38, 1-based): chr4:38,020,628, G>T. VCF-style: chr4-38020628-G-T. GRCh37 (hg19) VCF-style: chr4-38022249-G-T.
Other names: c.1010G>T, p.Arg337Leu (NM_001253912.2, NM_015173.4); short protein forms R337L.
Identifiers: ClinVar variation 2628683 (VCV002628683.1), dbSNP rs766074895, ClinGen allele CA356564277.
Genomic context (GRCh38, chr4:38,020,628, plus strand): 5'-ATCTCGTTCTCTCCCTTTGGCAGGGCATCAGACACGTGGACCACTTTGGGTTTATCTGTC[G>T]GGAGTCTTCCGGAGGTGGCGGCTTTCATTTTGTCTGTTACGTGTTTCAGTGCACAAATGA-3'
Protein context (NP_001383888.1, residues 327-347): RHVDHFGFIC[Arg337Leu]ESSGGGGFHF